The following is an entry in ClinVar:

NM_001845.6(COL4A1):c.430G>A (p.Ala144Thr)

Gene: COL4A1 (collagen type IV alpha 1 chain; minus strand). Cytogenetic location: 13q34.
Variant type: single nucleotide variant.
Coding change: c.430G>A on transcript NM_001845.6 (MANE Select); coding-DNA position 430, G replaced by A.
Protein change: p.Ala144Thr; replaces alanine 144 with threonine.
Molecular consequence: missense variant.
Genome position (GRCh38, 1-based): chr13:110,211,880, C>T on the plus strand (G>A on the coding strand, the complement: COL4A1 is on the minus strand). VCF-style: chr13-110211880-C-T. GRCh37 (hg19) VCF-style: chr13-110864227-C-T.
Other names: c.430G>A, p.Ala144Thr (NM_001303110.2); c.430G>A (NM_001845.4); short protein forms A144T.
Identifiers: ClinVar variation 1176977 (VCV001176977.39), dbSNP rs778175625, ClinGen allele CA7048518.

ClinVar aggregate classification (germline): Conflicting classifications of pathogenicity. Review status: criteria provided, conflicting classifications (1 of 4 stars). 5 submissions from 5 submitters: Uncertain significance (2); Likely benign (3). Last evaluated 2026-01-09.

Conditions:
Inborn genetic diseases. Identifiers: MedGen C0950123, MeSH D030342.
Autosomal dominant familial hematuria-retinal arteriolar tortuosity-contractures syndrome. Also called: Angiopathy, hereditary, with nephropathy, aneurysms, and muscle cramps; Hereditary Angiopathy with Nephropathy, Aneurysms, and Muscle Cramps (HANAC) Syndrome. Identifiers: Orphanet 73229, MedGen C2673195, MONDO:0012726, OMIM 611773.
Retinal arterial tortuosity. Also called: RETINAL HEMORRHAGE WITH VASCULAR TORTUOSITY; Retinal arteries, tortuosity of. Identifiers: Orphanet 75326, MedGen C0423401, MONDO:0008373, OMIM 180000, HP:0000631.
Brain small vessel disease 1 with or without ocular anomalies (BSVD1). Also called: GOULD SYNDROME 1; Brain small vessel disease with or without ocular anomalies; PORENCEPHALY, TYPE 1, AUTOSOMAL DOMINANT; BRAIN SMALL VESSEL DISEASE WITH HEMORRHAGE. Identifiers: Orphanet 2940, Orphanet 36383, Orphanet 99810, MedGen C4755307, MONDO:0008289, OMIM 175780.
Hemorrhage, intracerebral, susceptibility to (ICH). Also called: Stroke, hemorrhagic, susceptibility to. Identifiers: MedGen C3281105, MONDO:0100533, OMIM 614519.
Microangiopathy and leukoencephalopathy, pontine, autosomal dominant. Also called: Pontine autosomal dominant microangiopathy with leukoencephalopathy; DEMENTIA, HEREDITARY MULTI-INFARCT, SWEDISH TYPE. Identifiers: Orphanet 477749, MedGen C5231411, MONDO:0032814, OMIM 618564.

Allele frequency attached by ClinVar (database versions not stated): gnomAD 0.00002 and 0.00003; TOPMed 0.00002.

Submissions (5):

Ambry Genetics
Classification: Likely benign for Inborn genetic diseases. Last evaluated: 2026-01-09. Review status: criteria provided, single submitter. Criteria: Ambry Variant Classification Scheme 2023. Collection method: clinical testing. Allele origin: germline.

CeGaT Center for Human Genetics Tuebingen
Classification: Likely benign. Last evaluated: 2024-11-01. Review status: criteria provided, single submitter. Criteria: CeGaT Center For Human Genetics Tuebingen Variant Classification Criteria Version 2. Collection method: clinical testing. Allele origin: germline. Affected: yes. Observed: 2 variant alleles.
Comment: COL4A1: BS2

Blueprint Genetics
Classification: Likely benign. Last evaluated: 2024-09-07. Review status: criteria provided, single submitter. Criteria: ACMG Guidelines, 2015. Collection method: clinical testing. Allele origin: germline.

Labcorp Genetics (formerly Invitae), Labcorp
Classification: Uncertain significance. Last evaluated: 2024-07-27. Review status: criteria provided, single submitter. Criteria: Invitae Variant Classification Sherloc (09022015). Collection method: clinical testing. Allele origin: germline.
Comment: This sequence change replaces alanine, which is neutral and non-polar, with threonine, which is neutral and polar, at codon 144 of the COL4A1 protein (p.Ala144Thr). This variant is present in population databases (rs778175625, gnomAD 0.01%). This variant has not been reported in the literature in individuals affected with COL4A1-related conditions. ClinVar contains an entry for this variant (Variation ID: 1176977). Advanced modeling of protein sequence and biophysical properties (such as structural, functional, and spatial information, amino acid conservation, physicochemical variation, residue mobility, and thermodynamic stability) performed at Invitae indicates that this missense variant is not expected to disrupt COL4A1 protein function with a negative predictive value of 95%. In summary, the available evidence is currently insufficient to determine the role of this variant in disease. Therefore, it has been classified as a Variant of Uncertain Significance.

Fulgent Genetics
Classification: Uncertain significance for Brain small vessel disease 1 with or without ocular anomalies; Retinal arterial tortuosity; Autosomal dominant familial hematuria-retinal arteriolar tortuosity-contractures syndrome; Hemorrhage, intracerebral, susceptibility to; Microangiopathy and leukoencephalopathy, pontine, autosomal dominant. Last evaluated: 2022-03-17. Review status: criteria provided, single submitter. Criteria: ACMG Guidelines, 2015. Collection method: clinical testing. Allele origin: unknown.